The following is an entry in ClinVar:

ClinVar aggregate classification (germline): Benign (0 of 4 stars; one submission).

Conditions:
MEI1-related disorder. Also called: MEI1-related condition.

Allele frequency attached by ClinVar (database versions not stated): gnomAD exomes 0.00082; ESP Exome Variant Server 0.00099; TOPMed 0.00105; gnomAD 0.00106; ExAC 0.00138.
gnomAD v4.1: 1,468 of 1,613,682 alleles (0.091%); highest among the groups gnomAD compares: Non-Finnish European, 0.024%; 15 homozygotes.

Submission:

PreventionGenetics, part of Exact Sciences
Classification: Benign for MEI1-related condition. Last evaluated: 2019-07-16. Review status: no assertion criteria provided. Collection method: clinical testing. Allele origin: germline.
Comment: This variant is classified as benign based on ACMG/AMP sequence variant interpretation guidelines (Richards et al. 2015 PMID: 25741868, with internal and published modifications).

NM_152513.4(MEI1):c.3435C>T (p.His1145=)

Gene: MEI1 (meiotic double-stranded break formation protein 1; plus strand). Cytogenetic location: 22q13.2.
Variant type: single nucleotide variant.
Coding change: c.3435C>T on transcript NM_152513.4 (MANE Select); coding-DNA position 3435, C replaced by T.
Protein change: p.His1145=; no amino-acid change (histidine 1145 retained).
Molecular consequence: synonymous variant.
Genome position (GRCh38, 1-based): chr22:41,794,378, C>T. VCF-style: chr22-41794378-C-T. GRCh37 (hg19) VCF-style: chr22-42190382-C-T.
Identifiers: ClinVar variation 3049306 (VCV003049306.2), dbSNP rs199762836, ClinGen allele CA10260879.